The following is an entry in ClinVar:

NM_000271.5(NPC1):c.2973G>A (p.Gln991=)

Gene: NPC1 (NPC intracellular cholesterol transporter 1; minus strand). Cytogenetic location: 18q11.2.
Variant type: single nucleotide variant.
Coding change: c.2973G>A on transcript NM_000271.5 (MANE Select); coding-DNA position 2973, G replaced by A.
Protein change: p.Gln991=; no amino-acid change (glutamine 991 retained).
Molecular consequence: synonymous variant.
Genome position (GRCh38, 1-based): chr18:23,538,610, C>T on the plus strand (G>A on the coding strand, the complement: NPC1 is on the minus strand). VCF-style: chr18-23538610-C-T. GRCh37 (hg19) VCF-style: chr18-21118574-C-T.
Identifiers: ClinVar variation 326254 (VCV000326254.20), dbSNP rs201118975, ClinGen allele CA8912902.

ClinVar aggregate classification (germline): Conflicting classifications of pathogenicity. Review status: criteria provided, conflicting classifications (1 of 4 stars). 7 submissions from 7 submitters: Uncertain significance (1); Likely benign (4). 2 of the submissions do not count toward it. Last evaluated 2025-12-08.

Conditions:
NPC1-related disorder. Also called: NPC1-related condition.
Inborn genetic diseases. Identifiers: MedGen C0950123, MeSH D030342.
Niemann-Pick disease, type C1. Also called: NEUROVISCERAL STORAGE DISEASE WITH VERTICAL SUPRANUCLEAR OPHTHALMOPLEGIA; NIEMANN-PICK DISEASE WITH CHOLESTEROL ESTERIFICATION BLOCK; NIEMANN-PICK DISEASE WITHOUT SPHINGOMYELINASE DEFICIENCY; NIEMANN-PICK DISEASE, CHRONIC NEURONOPATHIC FORM; NIEMANN-PICK DISEASE, VARIANT TYPE C1. Identifiers: Orphanet 646, MedGen C3179455, MONDO:0009757, OMIM 257220.

Allele frequency attached by ClinVar (database versions not stated): TOPMed 0.00006.
gnomAD v4.1: 283 of 1,614,020 alleles (0.018%); highest among the groups gnomAD compares: Non-Finnish European, 0.023%; no homozygotes.

Submissions (7):

Labcorp Genetics (formerly Invitae), Labcorp
Classification: Likely benign for Niemann-Pick disease, type C1. Last evaluated: 2025-12-08. Review status: criteria provided, single submitter. Criteria: Invitae Variant Classification Sherloc (09022015). Collection method: clinical testing. Allele origin: germline.

PreventionGenetics, part of Exact Sciences
Classification: Likely benign for NPC1-related condition. Last evaluated: 2025-09-11. Review status: criteria provided, single submitter. Criteria: ACMG Guidelines, 2015. Collection method: clinical testing. Allele origin: germline.
Comment: This variant is classified as likely benign based on ACMG/AMP sequence variant interpretation guidelines (Richards et al. 2015 PMID: 25741868, with internal and published modifications).

GeneDx
Classification: Likely benign. Last evaluated: 2020-12-02. Review status: criteria provided, single submitter. Criteria: GeneDx Variant Classification Process June 2021. Collection method: clinical testing. Allele origin: germline. Affected: yes.

Ambry Genetics
Classification: Likely benign for Inborn genetic diseases. Last evaluated: 2019-10-23. Review status: criteria provided, single submitter. Criteria: Ambry Variant Classification Scheme 2023. Collection method: clinical testing. Allele origin: germline.

Illumina Laboratory Services, Illumina
Classification: Uncertain significance for Niemann-Pick disease type C1. Last evaluated: 2018-01-13. Review status: criteria provided, single submitter. Criteria: ICSL Variant Classification Criteria 13 December 2019. Collection method: clinical testing. Allele origin: germline.

Clinical Genetics DNA and cytogenetics Diagnostics Lab, Erasmus MC, Erasmus Medical Center
Classification: Likely benign. Review status: no assertion criteria provided. Collection method: clinical testing. Allele origin: germline. Affected: yes. Study: VKGL Data-share Consensus. Not counted in ClinVar's aggregate classification.

Genome Diagnostics Laboratory, Amsterdam University Medical Center
Classification: Likely benign. Review status: no assertion criteria provided. Collection method: clinical testing. Allele origin: germline. Affected: yes. Study: VKGL Data-share Consensus. Not counted in ClinVar's aggregate classification.